The following is an entry in ClinVar:

NM_022089.4(ATP13A2):c.1243C>A (p.Arg415=)

Gene: ATP13A2 (ATPase cation transporting 13A2; minus strand). Cytogenetic location: 1p36.13.
Variant type: single nucleotide variant.
Coding change: c.1243C>A on transcript NM_022089.4 (MANE Select); coding-DNA position 1243, C replaced by A.
Protein change: p.Arg415=; no amino-acid change (arginine 415 retained).
Molecular consequence: synonymous variant.
Genome position (GRCh38, 1-based): chr1:16,996,449, G>T on the plus strand (C>A on the coding strand, the complement: ATP13A2 is on the minus strand). VCF-style: chr1-16996449-G-T. GRCh37 (hg19) VCF-style: chr1-17322944-G-T.
Other names: c.1228C>A, p.Arg410= (NM_001141973.3, NM_001141974.3).
Identifiers: ClinVar variation 2148164 (VCV002148164.4), dbSNP rs768796427, ClinGen allele CA637306.

ClinVar aggregate classification (germline): Uncertain significance (1 of 4 stars; one submission).

Conditions:
Autosomal recessive spastic paraplegia type 78. Identifiers: Orphanet 513436, MedGen C5567893, MONDO:0014975, OMIM 617225.
Kufor-Rakeb syndrome (KRS). Also called: PARKINSON DISEASE 9, AUTOSOMAL RECESSIVE, JUVENILE-ONSET. Identifiers: Orphanet 306674, Orphanet 314632, MedGen C1847640, MONDO:0011706, OMIM 606693.

gnomAD v4.1: 2 of 1,614,124 alleles (0.00012%); highest among the groups gnomAD compares: Non-Finnish European, 0.00017%; no homozygotes.

Submission:

Labcorp Genetics (formerly Invitae), Labcorp
Classification: Uncertain significance for Kufor-Rakeb syndrome; Autosomal recessive spastic paraplegia type 78. Last evaluated: 2022-03-09. Review status: criteria provided, single submitter. Criteria: Invitae Variant Classification Sherloc (09022015). Collection method: clinical testing. Allele origin: germline.
Comment: In summary, the available evidence is currently insufficient to determine the role of this variant in disease. Therefore, it has been classified as a Variant of Uncertain Significance. Algorithms developed to predict the effect of sequence changes on RNA splicing suggest that this variant may create or strengthen a splice site. This variant has not been reported in the literature in individuals affected with ATP13A2-related conditions. This variant is present in population databases (rs768796427, gnomAD 0.0009%). This sequence change affects codon 415 of the ATP13A2 mRNA. It is a 'silent' change, meaning that it does not change the encoded amino acid sequence of the ATP13A2 protein.